The following is an entry in ClinVar:

NM_012418.4(FSCN2):c.377C>T (p.Ser126Phe)

Gene: FSCN2 (fascin actin-bundling protein 2, retinal; plus strand). Cytogenetic location: 17q25.3.
Variant type: single nucleotide variant.
Coding change: c.377C>T on transcript NM_012418.4 (MANE Select); coding-DNA position 377, C replaced by T.
Protein change: p.Ser126Phe; replaces serine 126 with phenylalanine.
Molecular consequence: missense variant.
Genome position (GRCh38, 1-based): chr17:81,528,908, C>T. VCF-style: chr17-81528908-C-T. GRCh37 (hg19) VCF-style: chr17-79495934-C-T.
Other names: c.377C>T, p.Ser126Phe (NM_001077182.3); short protein forms S126F.
Identifiers: ClinVar variation 837066 (VCV000837066.7), dbSNP rs782489845, ClinGen allele CA8836661.
Genomic context (GRCh38, chr17:81,528,908, plus strand): 5'-CGCACGGCCGCTTCTTCGGAGGCACCGAGGACCAGCTGTCCTGCTTCGCCACAGCCGTTT[C>T]CCCGGCCGAGCTGTGGACCGTGCACCTGGCCATCCACCCGCAGGCCCACCTGCTGAGCGT-3'
Protein context (NP_036550.1, residues 116-136): DQLSCFATAV[Ser126Phe]PAELWTVHLA

ClinVar aggregate classification (germline): Uncertain significance (1 of 4 stars; one submission).

Allele frequency attached by ClinVar (database versions not stated): gnomAD 0.00005 and 0.00006; TOPMed 0.00006; gnomAD exomes 0.00009; ExAC 0.00014.
gnomAD v4.1: 76 of 1,587,580 alleles (0.0048%); highest among the groups gnomAD compares: Admixed American, 0.014%; no homozygotes.

Submission:

Labcorp Genetics (formerly Invitae), Labcorp
Classification: Uncertain significance. Last evaluated: 2025-03-17. Review status: criteria provided, single submitter. Criteria: Invitae Variant Classification Sherloc (09022015). Collection method: clinical testing. Allele origin: germline.
Comment: This sequence change replaces serine, which is neutral and polar, with phenylalanine, which is neutral and non-polar, at codon 126 of the FSCN2 protein (p.Ser126Phe). This variant is present in population databases (rs782489845, gnomAD 0.02%). This variant has not been reported in the literature in individuals affected with FSCN2-related conditions. ClinVar contains an entry for this variant (Variation ID: 837066). An algorithm developed to predict the effect of missense changes on protein structure and function (PolyPhen-2) suggests that this variant is likely to be disruptive. In summary, the available evidence is currently insufficient to determine the role of this variant in disease. Therefore, it has been classified as a Variant of Uncertain Significance.